The following is an entry in ClinVar:

NM_005120.3(MED12):c.5303A>C (p.Lys1768Thr)

Gene: MED12 (mediator complex subunit 12; plus strand). Cytogenetic location: Xq13.1.
Variant type: single nucleotide variant.
Coding change: c.5303A>C on transcript NM_005120.3 (MANE Select); coding-DNA position 5303, A replaced by C.
Protein change: p.Lys1768Thr; replaces lysine 1768 with threonine.
Molecular consequence: missense variant.
Genome position (GRCh38, 1-based): chrX:71,136,558, A>C. VCF-style: chrX-71136558-A-C. GRCh37 (hg19) VCF-style: chrX-70356408-A-C.
Other names: short protein forms K1768T.
Identifiers: ClinVar variation 1305282 (VCV001305282.2), dbSNP rs1295791827, ClinGen allele CA413534827.

ClinVar aggregate classification (germline): Uncertain significance (1 of 4 stars; one submission).

Submission:

GeneDx
Classification: Uncertain significance. Last evaluated: 2019-04-22. Review status: criteria provided, single submitter. Criteria: GeneDx Variant Classification Process June 2021. Collection method: clinical testing. Allele origin: germline. Affected: yes.
Comment: Has not been previously published as pathogenic or benign to our knowledge; Not observed in large population cohorts (Lek et al., 2016); In silico analysis, which includes protein predictors and evolutionary conservation, supports that this variant does not alter protein structure/function